The following is an entry in ClinVar:

ClinVar aggregate classification (germline): Pathogenic/Likely pathogenic. Review status: criteria provided, multiple submitters, no conflicts (2 of 4 stars). 2 submissions from 2 submitters: Pathogenic (1); Likely pathogenic (1). Last evaluated 2026-03-20.

Conditions:
Ichthyosis vulgaris. Also called: ICHTHYOSIS SIMPLEX; Dominant ichthyosis vulgaris. Identifiers: MedGen C0079584, MONDO:0024304, OMIM 146700.

Submissions (2):

GeneDx
Classification: Pathogenic. Last evaluated: 2026-03-20. Review status: criteria provided, single submitter. Criteria: GeneDx Variant Classification Process June 2021. Collection method: clinical testing. Allele origin: germline.
Comment: Reported as heterozygous in an individual with atopic dermatitis in published literature (PMID: 32066784); Frameshift variant predicted to result in abnormal protein length as the last 2129 amino acid(s) are replaced with 161 different amino acid(s), and other similar variants have been reported in HGMD; This variant is associated with the following publications: (PMID: 36403663, 32066784, 16444271)

Pittsburgh Clinical Genomics Laboratory, University of Pittsburgh Medical Center
Classification: Likely pathogenic for Ichthyosis vulgaris. Last evaluated: 2023-03-20. Review status: criteria provided, single submitter. Criteria: ACMG Guidelines, 2015. Collection method: clinical testing. Allele origin: germline. Inheritance: Autosomal unknown. Affected: yes.
Comment: This sequence variant is a single base deletion (delG) at coding nucleotide 5799 in exon 3 of 3 in the FLG gene. This deletion introduces a premature termition sigl 162 codons downstream of the frameshift introduced at what would have been the Arg1933 codon. This variant is expected to truncate the FLG encoded profilaggrin protein thereby disrupting the filaggrin 12 repeat and elimiting the remaining filaggrin repeats and C termil domain (PMID: 17502856). Loss of the C termil domain prevents processing profilaggrin into filaggrin monomers, generating a loss of function variant (PMID: 17417636, 22071473). This variant is absent from an online database of clinically annotated variants (ClinVar) but has been observed in individuals affected by food allergies and/or atopic dermatitis (PMID: 36403663, 32066784). This variant is present in 15 of 282,750 alleles (0.005%) in the gnomAD control population dataset. Studies examining the functiol consequence of this variant have not been published, to our knowledge. Given this information, we consider this a likely pathogenic variant. ACMG Criteria: PM2, PVS1

Literature cited by the submitters: PubMed 22071473 (cited by Pittsburgh Clinical Genomics Laboratory, University of Pittsburgh Medical Center); PubMed 17417636 (cited by Pittsburgh Clinical Genomics Laboratory, University of Pittsburgh Medical Center); PubMed 17502856 (cited by Pittsburgh Clinical Genomics Laboratory, University of Pittsburgh Medical Center); PubMed 32066784 (cited by Pittsburgh Clinical Genomics Laboratory, University of Pittsburgh Medical Center); PubMed 36403663 (cited by Pittsburgh Clinical Genomics Laboratory, University of Pittsburgh Medical Center).

NM_002016.2(FLG):c.5799del (p.Arg1933fs)

Genes: CCDST (cervical cancer associated DHX9 suppressive transcript; plus strand), FLG (filaggrin; minus strand). Cytogenetic location: 1q21.3.
Variant type: Deletion.
Coding change: c.5799del on transcript NM_002016.2 (MANE Select); coding-DNA position 5799, one base deleted (G; older notation c.5799delG).
Protein change: p.Arg1933fs; shifts the reading frame from arginine 1933.
Molecular consequence: frameshift variant.
Genome position (GRCh38, 1-based): chr1:152,309,087, C deleted on the plus strand (G on the coding strand, the reverse complement: FLG is on the minus strand); the first of 2 consecutive C bases (chr1:152,309,087-152,309,088); deleting either gives the same sequence. VCF-style (leftmost placement, unchanged base first): chr1-152309086-AC-A. GRCh37 (hg19) VCF-style: chr1-152281562-AC-A.
Other names: c.5798delG, p.Arg1933Serfs (NM_002016.1); short protein forms R1933fs.
Identifiers: ClinVar variation 2663004 (VCV002663004.3), dbSNP rs753115579, ClinGen allele CA1105590.